The following is an entry in ClinVar:

NM_001458.5(FLNC):c.1544G>A (p.Gly515Glu)

Gene: FLNC (filamin C; plus strand). Cytogenetic location: 7q32.1.
Variant type: single nucleotide variant.
Coding change: c.1544G>A on transcript NM_001458.5 (MANE Select); coding-DNA position 1544, G replaced by A.
Protein change: p.Gly515Glu; replaces glycine 515 with glutamic acid.
Molecular consequence: missense variant.
Genome position (GRCh38, 1-based): chr7:128,840,155, G>A. VCF-style: chr7-128840155-G-A. GRCh37 (hg19) VCF-style: chr7-128480209-G-A.
Other names: c.1544G>A, p.Gly515Glu (NM_001127487.2); short protein forms G515E.
Identifiers: ClinVar variation 2945250 (VCV002945250.2), dbSNP rs2536624962, ClinGen allele CA369225885.

ClinVar aggregate classification (germline): Uncertain significance (1 of 4 stars; one submission).

Conditions:
Myofibrillar myopathy 5. Also called: Filaminopathy (type); FILAMINOPATHY, AUTOSOMAL DOMINANT. Identifiers: Orphanet 171445, MedGen C1836050, MONDO:0012289, OMIM 609524.
Hypertrophic cardiomyopathy 26. Also called: Cardiomyopathy, familial hypertrophic, 26. Identifiers: Orphanet 75249, MedGen C4310749, MONDO:0014883, OMIM 617047.
Dilated Cardiomyopathy, Dominant.
Distal myopathy with posterior leg and anterior hand involvement. Also called: WILLIAMS DISTAL MYOPATHY. Identifiers: Orphanet 63273, MedGen C3279722, MONDO:0013550, OMIM 614065.

Submission:

Labcorp Genetics (formerly Invitae), Labcorp
Classification: Uncertain significance for Distal myopathy with posterior leg and anterior hand involvement; Myofibrillar myopathy 5; Hypertrophic cardiomyopathy 26. Last evaluated: 2023-03-13. Review status: criteria provided, single submitter. Criteria: Invitae Variant Classification Sherloc (09022015). Collection method: clinical testing. Allele origin: germline.
Comment: This sequence change replaces glycine, which is neutral and non-polar, with glutamic acid, which is acidic and polar, at codon 515 of the FLNC protein (p.Gly515Glu). This variant is not present in population databases (gnomAD no frequency). This variant has not been reported in the literature in individuals affected with FLNC-related conditions. Advanced modeling of protein sequence and biophysical properties (such as structural, functional, and spatial information, amino acid conservation, physicochemical variation, residue mobility, and thermodynamic stability) has been performed at Invitae for this missense variant, however the output from this modeling did not meet the statistical confidence thresholds required to predict the impact of this variant on FLNC protein function. In summary, the available evidence is currently insufficient to determine the role of this variant in disease. Therefore, it has been classified as a Variant of Uncertain Significance.